The following is an entry in ClinVar:

NM_001003841.3(SLC6A19):c.116C>T (p.Ala39Val)

Gene: SLC6A19 (solute carrier family 6 member 19; plus strand). Cytogenetic location: 5p15.33.
Variant type: single nucleotide variant.
Coding change: c.116C>T on transcript NM_001003841.3 (MANE Select); coding-DNA position 116, C replaced by T.
Protein change: p.Ala39Val; replaces alanine 39 with valine.
Molecular consequence: missense variant.
Genome position (GRCh38, 1-based): chr5:1,201,766, C>T. VCF-style: chr5-1201766-C-T. GRCh37 (hg19) VCF-style: chr5-1201881-C-T.
Other names: p.Ala39Val; short protein forms A39V.
Identifiers: ClinVar variation 3379577 (VCV003379577.1).

ClinVar aggregate classification (germline): Uncertain significance (1 of 4 stars; one submission).

gnomAD v4.1: 82 of 1,612,796 alleles (0.0051%); highest among the groups gnomAD compares: South Asian, 0.048%; 3 homozygotes.

Submission:

Mayo Clinic Laboratories, Mayo Clinic
Classification: Uncertain significance. Last evaluated: 2023-09-05. Review status: criteria provided, single submitter. Criteria: ACMG Guidelines, 2015. Collection method: clinical testing. Allele origin: germline. Observed: 1 variant allele.
Comment: PP3